The following is an entry in ClinVar:

ClinVar aggregate classification (germline): Uncertain significance (1 of 4 stars; one submission).

Allele frequency attached by ClinVar (database versions not stated): TOPMed 0.00001; gnomAD 0.00003; gnomAD exomes 0.00003; ExAC 0.00006; ESP Exome Variant Server 0.00008.
gnomAD v4.1: 47 of 1,614,148 alleles (0.0029%); highest among the groups gnomAD compares: Non-Finnish European, 0.0036%; no homozygotes.

Submission:

Ambry Genetics
Classification: Uncertain significance. Last evaluated: 2024-10-07. Review status: criteria provided, single submitter. Criteria: Ambry Variant Classification Scheme 2023. Collection method: clinical testing. Allele origin: germline.
Comment: The p.I50T variant (also known as c.149T>C), located in coding exon 1 of the PALLD gene, results from a T to C substitution at nucleotide position 149. The isoleucine at codon 50 is replaced by threonine, an amino acid with similar properties. This amino acid position is conserved. In addition, the in silico prediction for this alteration is inconclusive. Since supporting evidence is limited at this time, the clinical significance of this alteration remains unclear.

NM_001166108.2(PALLD):c.149T>C (p.Ile50Thr)

Gene: PALLD (palladin, cytoskeletal associated protein; plus strand). Cytogenetic location: 4q32.3.
Variant type: single nucleotide variant.
Coding change: c.149T>C on transcript NM_001166108.2 (MANE Select); coding-DNA position 149, T replaced by C.
Protein change: p.Ile50Thr; replaces isoleucine 50 with threonine.
Molecular consequence: missense variant.
Genome position (GRCh38, 1-based): chr4:168,511,653, T>C. VCF-style: chr4-168511653-T-C. GRCh37 (hg19) VCF-style: chr4-169432804-T-C.
Other names: c.149T>C, p.Ile50Thr (NM_016081.4); short protein forms I50T.
Identifiers: ClinVar variation 1773965 (VCV001773965.3), dbSNP rs374875087, ClinGen allele CA3135301.